The following is an entry in ClinVar:

ClinVar aggregate classification (germline): Benign. Review status: criteria provided, multiple submitters, no conflicts (2 of 4 stars). 17 submissions from 17 submitters: Benign (14). 3 of the submissions do not count toward it. Last evaluated 2026-02-04.

Conditions:
Cardiovascular phenotype. Identifiers: MedGen CN230736.
Catecholaminergic polymorphic ventricular tachycardia 2. Also called: VENTRICULAR TACHYCARDIA, STRESS-INDUCED POLYMORPHIC 2; CASQ2-Related Catecholaminergic Polymorphic Ventricular Tachycardia. Identifiers: Orphanet 3286, MedGen C2677794, MONDO:0012762, OMIM 611938.
Catecholaminergic polymorphic ventricular tachycardia 1. Also called: VENTRICULAR TACHYCARDIA, CATECHOLAMINERGIC POLYMORPHIC, 1, WITH OR WITHOUT ATRIAL DYSFUNCTION AND/OR DILATED CARDIOMYOPATHY; VENTRICULAR TACHYCARDIA, STRESS-INDUCED POLYMORPHIC 1; RYR2-Related Catecholaminergic Polymorphic Ventricular Tachycardia. Identifiers: Orphanet 3286, MedGen C1631597, MONDO:0011484, OMIM 604772.
Catecholaminergic polymorphic ventricular tachycardia (CVPT). Also called: Catecholamine-induced polymorphic ventricular tachycardia. Identifiers: Orphanet 3286, MedGen C5574922, MONDO:0017990.

Allele frequency attached by ClinVar (database versions not stated): gnomAD exomes 0.30320 and 0.32893; ExAC 0.32650; ESP Exome Variant Server 0.33938; gnomAD 0.34443 and 0.34486; TOPMed 0.36137; 1000 Genomes Project 30x 0.40053; 1000 Genomes Project 0.40116.

Submissions (17):

Labcorp Genetics (formerly Invitae), Labcorp
Classification: Benign for Catecholaminergic polymorphic ventricular tachycardia 1. Last evaluated: 2026-02-04. Review status: criteria provided, single submitter. Criteria: Invitae Variant Classification Sherloc (09022015). Collection method: clinical testing. Allele origin: germline.

ARUP Laboratories, Molecular Genetics and Genomics, ARUP Laboratories
Classification: Benign for Catecholaminergic polymorphic ventricular tachycardia 2. Last evaluated: 2025-07-28. Review status: criteria provided, single submitter. Criteria: ARUP Molecular Germline Variant Investigation Process 2024. Collection method: clinical testing. Allele origin: germline.

Molecular Diagnostic Laboratory for Inherited Cardiovascular Disease, Montreal Heart Institute
Classification: Benign. Last evaluated: 2025-04-09. Review status: criteria provided, single submitter. Criteria: ACMG Guidelines, 2015. Collection method: clinical testing. Allele origin: germline. Affected: no.

Blueprint Genetics
Classification: Benign. Last evaluated: 2024-11-26. Review status: criteria provided, single submitter. Criteria: ACMG Guidelines, 2015. Collection method: clinical testing. Allele origin: germline.

Genome-Nilou Lab
Classification: Benign for Catecholaminergic polymorphic ventricular tachycardia 2. Last evaluated: 2023-04-11. Review status: criteria provided, single submitter. Criteria: ACMG Guidelines, 2015. Collection method: clinical testing. Allele origin: germline. Affected: no.

Mayo Clinic Laboratories, Mayo Clinic
Classification: Benign. Last evaluated: 2023-01-24. Review status: criteria provided, single submitter. Criteria: ACMG Guidelines, 2015. Collection method: clinical testing. Allele origin: germline. Observed: 270 variant alleles.

Illumina Laboratory Services, Illumina
Classification: Benign for Catecholaminergic polymorphic ventricular tachycardia 2. Last evaluated: 2017-04-27. Review status: criteria provided, single submitter. Criteria: ICSL Variant Classification Criteria 13 December 2019. Collection method: clinical testing. Allele origin: germline.
Comment: This variant was observed as part of a predisposition screen in an ostensibly healthy population. A literature search was performed for the gene, cDNA change, and amino acid change (where applicable). Publications were found based on this search. The evidence from the literature, in combination with allele frequency data from public databases where available, was sufficient to rule this variant out of causing disease. Therefore, this variant is classified as benign.

Clinical Genetics DNA and cytogenetics Diagnostics Lab, Erasmus MC, Erasmus Medical Center
Classification: Benign for Catecholaminergic polymorphic ventricular tachycardia 2. Last evaluated: 2015-09-21. Review status: criteria provided, single submitter. Criteria: ACGS Guidelines, 2013. Collection method: clinical testing. Allele origin: germline. Affected: yes. Study: VKGL Data-share Consensus.

Ambry Genetics
Classification: Benign for Cardiovascular phenotype. Last evaluated: 2015-03-23. Review status: criteria provided, single submitter. Criteria: Ambry Variant Classification Scheme 2023. Collection method: clinical testing. Allele origin: germline.

GeneDx
Classification: Benign. Last evaluated: 2015-03-03. Review status: criteria provided, single submitter. Criteria: GeneDx Variant Classification Process June 2021. Collection method: clinical testing. Allele origin: germline. Affected: yes.
Comment: This variant is associated with the following publications: (PMID: 24025405, 21076409, 30012220)

Biesecker Lab/Clinical Genomics Section, National Institutes of Health
Classification: Benign. Last evaluated: 2013-06-24. Review status: criteria provided, single submitter. Criteria: Ng et al. (Circ Cardiovasc Genet. 2013). Collection method: research. Allele origin: unknown. Observed: 450 variant alleles. Study: ClinSeq.
Comment: The study set was not selected for affection status in relation to any cancer. Pathogenicity categories were based on literature curation. See Pubmed ID:23861362 for details.

Medical sequencing

Laboratory for Molecular Medicine, Mass General Brigham Personalized Medicine
Classification: Benign. Last evaluated: 2011-09-30. Review status: criteria provided, single submitter. Criteria: LMM Criteria. Collection method: clinical testing. Allele origin: germline. Observed: 1,037 variant alleles.
Comment: benign based on high population frequency (rs4074536)

Breakthrough Genomics
Classification: Benign. Review status: criteria provided, single submitter. Criteria: ACMG Guidelines, 2015. Collection method: not provided. Allele origin: germline. Inheritance: Autosomal recessive inheritance. Affected: yes.

PreventionGenetics, part of Exact Sciences
Classification: Benign. Review status: criteria provided, single submitter. Criteria: ACMG Guidelines, 2015. Collection method: clinical testing. Allele origin: germline.

Cohesion Phenomics
Classification: Likely benign for Catecholaminergic polymorphic ventricular tachycardia. Last evaluated: 2022-09-23. Review status: no assertion criteria provided. Criteria: ACMG Guidelines, 2015. Collection method: clinical testing. Allele origin: germline. Affected: yes. Not counted in ClinVar's aggregate classification.

Clinical Genetics, Academic Medical Center
Classification: Benign. Review status: no assertion criteria provided. Collection method: clinical testing. Allele origin: germline. Affected: yes. Study: VKGL Data-share Consensus. Not counted in ClinVar's aggregate classification.

Diagnostic Laboratory, Department of Genetics, University Medical Center Groningen
Classification: Benign for Catecholaminergic polymorphic ventricular tachycardia 2. Review status: no assertion criteria provided. Collection method: clinical testing. Allele origin: germline. Affected: yes. Study: VKGL Data-share Consensus. Not counted in ClinVar's aggregate classification.

Literature cited by the submitters: PubMed 21076409 (cited by Illumina Laboratory Services, Illumina); PubMed 19709828 (cited by Illumina Laboratory Services, Illumina); PubMed 14571276 (cited by Illumina Laboratory Services, Illumina).

NM_001232.4(CASQ2):c.196A>G (p.Thr66Ala)

Gene: CASQ2 (calsequestrin 2; minus strand). Cytogenetic location: 1p13.1.
Variant type: single nucleotide variant.
Coding change: c.196A>G on transcript NM_001232.4 (MANE Select); coding-DNA position 196, A replaced by G.
Protein change: p.Thr66Ala; replaces threonine 66 with alanine.
Molecular consequence: missense variant.
Genome position (GRCh38, 1-based): chr1:115,768,346, T>C on the plus strand (A>G on the coding strand, the complement: CASQ2 is on the minus strand). VCF-style: chr1-115768346-T-C. GRCh37 (hg19) VCF-style: chr1-116310967-T-C.
Other names: short protein forms T66A.
Identifiers: ClinVar variation 44160 (VCV000044160.43), dbSNP rs4074536, ClinGen allele CA133700.
Genomic context (GRCh38, chr1:115,768,346, plus strand): 5'-AGCATGCCCTTTGGTTACTTACCTCAAGCACGATTTCTTTCAGTTGGAACTGTTTTTGCG[T>C]GACCTTATCTGAAGACACCGGCTCATGGTAGTAGAGGCAAAGCAAGTCATATTTCTTTAA-3'
Protein context (NP_001223.2, residues 56-76): YHEPVSSDKV[Thr66Ala]QKQFQLKEIV